The following is an entry in ClinVar:

NM_006258.4(PRKG1):c.1046A>T (p.Lys349Ile)

Gene: PRKG1 (protein kinase cGMP-dependent 1; plus strand). Cytogenetic location: 10q21.1.
Variant type: single nucleotide variant.
Coding change: c.1046A>T on transcript NM_006258.4 (MANE Select); coding-DNA position 1046, A replaced by T.
Protein change: p.Lys349Ile; replaces lysine 349 with isoleucine.
Molecular consequence: missense variant. On other transcripts: 5 prime UTR variant (1).
Genome position (GRCh38, 1-based): chr10:52,161,933, A>T. VCF-style: chr10-52161933-A-T. GRCh37 (hg19) VCF-style: chr10-53921693-A-T.
Other names: c.1001A>T, p.Lys334Ile (NM_001098512.3); c.-164A>T (NM_001374781.1); short protein forms K334I, K349I.
Identifiers: ClinVar variation 3728152 (VCV003728152.2).
Genomic context (GRCh38, chr10:52,161,933, plus strand): 5'-TTTTTTCGTCTGACAGCTCTTTTAAACATTTGATTGGAGGGCTGGATGATGTTTCTAATA[A>T]AGCATATGAAGATGCAGAAGCTAAAGCAAAGTAAGTGACTTTTTTCCTTAATTTTGATTG-3'
Protein context (NP_006249.1, residues 339-359): LIGGLDDVSN[Lys349Ile]AYEDAEAKAK

ClinVar aggregate classification (germline): Uncertain significance (1 of 4 stars; one submission).

Conditions:
Aortic aneurysm, familial thoracic 8 (AAT8). Identifiers: MedGen C3809513, MONDO:0014187, OMIM 615436.

Submission:

Labcorp Genetics (formerly Invitae), Labcorp
Classification: Uncertain significance for Aortic aneurysm, familial thoracic 8. Last evaluated: 2024-12-27. Review status: criteria provided, single submitter. Criteria: Invitae Variant Classification Sherloc (09022015). Collection method: clinical testing. Allele origin: germline.
Comment: This sequence change replaces lysine, which is basic and polar, with isoleucine, which is neutral and non-polar, at codon 349 of the PRKG1 protein (p.Lys349Ile). This variant is not present in population databases (gnomAD no frequency). This variant has not been reported in the literature in individuals affected with PRKG1-related conditions. An algorithm developed to predict the effect of missense changes on protein structure and function (PolyPhen-2) suggests that this variant is likely to be disruptive. In summary, the available evidence is currently insufficient to determine the role of this variant in disease. Therefore, it has been classified as a Variant of Uncertain Significance.